The following is an entry in ClinVar:

ClinVar aggregate classification (germline): Likely benign. Review status: criteria provided, multiple submitters, no conflicts (2 of 4 stars). 2 submissions from 2 submitters: Likely benign (2). Last evaluated 2026-06-01.

Conditions:
Cutis laxa, autosomal dominant 3 (ADCL3). Identifiers: Orphanet 90348, MedGen C4225268, MONDO:0014706, OMIM 616603.
Autosomal dominant spastic paraplegia type 9. Identifiers: MedGen C1832669, MONDO:0015091.
de Barsy syndrome. Also called: Cutis laxa-corneal clouding-oligophrenia syndrome. Identifiers: Orphanet 2962, MedGen C0268354, MONDO:0017569.

Allele frequency attached by ClinVar (database versions not stated): ExAC 0.00002; gnomAD 0.00002 and 0.00003; gnomAD exomes 0.00002 and 0.00003; TOPMed 0.00003; ESP Exome Variant Server 0.00008.
gnomAD v4.1: 31 of 1,614,138 alleles (0.0019%); highest among the groups gnomAD compares: Middle Eastern, 0.016%; no homozygotes.

Submissions (2):

CeGaT Center for Human Genetics Tuebingen
Classification: Likely benign. Last evaluated: 2026-06-01. Review status: criteria provided, single submitter. Criteria: CeGaT Center For Human Genetics Tuebingen Variant Classification Criteria Version 2. Collection method: clinical testing. Allele origin: germline. Affected: yes. Observed: 1 variant allele.
Comment: ALDH18A1: BP4, BP7

Labcorp Genetics (formerly Invitae), Labcorp
Classification: Likely benign for Autosomal dominant spastic paraplegia type 9; de Barsy syndrome; Cutis laxa, autosomal dominant 3. Last evaluated: 2025-10-14. Review status: criteria provided, single submitter. Criteria: Invitae Variant Classification Sherloc (09022015). Collection method: clinical testing. Allele origin: germline.

NM_002860.4(ALDH18A1):c.183C>T (p.Phe61=)

Gene: ALDH18A1 (aldehyde dehydrogenase 18 family member A1; minus strand). Cytogenetic location: 10q24.1.
Variant type: single nucleotide variant.
Coding change: c.183C>T on transcript NM_002860.4 (MANE Select); coding-DNA position 183, C replaced by T.
Protein change: p.Phe61=; no amino-acid change (phenylalanine 61 retained).
Molecular consequence: synonymous variant. On other transcripts: intron variant (4).
Genome position (GRCh38, 1-based): chr10:95,643,112, G>A on the plus strand (C>T on the coding strand, the complement: ALDH18A1 is on the minus strand). VCF-style: chr10-95643112-G-A. GRCh37 (hg19) VCF-style: chr10-97402869-G-A.
Other names: c.183C>T, p.Phe61= (NM_001017423.2, NM_001323413.2, NM_001323414.2 and 2 more transcripts); c.-78-9463C>T (NM_001323419.2); c.-30-5676C>T (NM_001323412.2, NM_001323418.2, NM_001323416.2).
Identifiers: ClinVar variation 729562 (VCV000729562.11), dbSNP rs375400820, ClinGen allele CA5620667.